The following is an entry in ClinVar:

NM_181741.4(ORC4):c.956A>G (p.His319Arg)

Gene: ORC4 (origin recognition complex subunit 4; minus strand). Cytogenetic location: 2q23.1.
Variant type: single nucleotide variant.
Coding change: c.956A>G on transcript NM_181741.4 (MANE Select); coding-DNA position 956, A replaced by G.
Protein change: p.His319Arg; replaces histidine 319 with arginine.
Molecular consequence: missense variant.
Genome position (GRCh38, 1-based): chr2:147,939,142, T>C on the plus strand (A>G on the coding strand, the complement: ORC4 is on the minus strand). VCF-style: chr2-147939142-T-C. GRCh37 (hg19) VCF-style: chr2-148696711-T-C.
Other names: c.956A>G, p.His319Arg (NM_001190879.3, NM_001374270.1, NM_002552.5 and 1 more transcripts); c.704A>G, p.His235Arg (NM_001190881.3, NM_001374272.1); c.734A>G, p.His245Arg (NM_001190882.3); short protein forms H235R, H245R, H319R.
Identifiers: ClinVar variation 1299639 (VCV001299639.1), dbSNP rs2105259429, ClinGen allele CA348711398.

ClinVar aggregate classification (germline): Likely pathogenic (1 of 4 stars; one submission).

Conditions:
Meier-Gorlin syndrome 2 (MGORS2). Identifiers: Orphanet 2554, MedGen C3151097, MONDO:0013428, OMIM 613800.

Allele frequency attached by ClinVar (database versions not stated): gnomAD exomes below 0.00001.
gnomAD v4.1: 2 of 1,575,094 alleles (0.00013%); highest among the groups gnomAD compares: South Asian, 0.0011%; no homozygotes.

Submission:

Laboratory of Medical Genetics, National & Kapodistrian University of Athens
Classification: Likely pathogenic for Meier-Gorlin syndrome 2. Last evaluated: 2021-10-01. Review status: criteria provided, single submitter. Criteria: ACMG Guidelines, 2015. Collection method: clinical testing. Allele origin: maternal. Affected: yes.
Comment: PM2, PM3, PP3, PP4

Literature cited by the submitters: PubMed 34008892.